The following is an entry in ClinVar:

NM_001386135.1(AFF3):c.607G>T (p.Ala203Ser)

Gene: AFF3 (ALF transcription elongation factor 3; minus strand). Cytogenetic location: 2q11.2.
Variant type: single nucleotide variant.
Coding change: c.607G>T on transcript NM_001386135.1 (MANE Select); coding-DNA position 607, G replaced by T.
Protein change: p.Ala203Ser; replaces alanine 203 with serine.
Molecular consequence: missense variant.
Genome position (GRCh38, 1-based): chr2:100,006,898, C>A on the plus strand (G>T on the coding strand, the complement: AFF3 is on the minus strand). VCF-style: chr2-100006898-C-A. GRCh37 (hg19) VCF-style: chr2-100623360-C-A.
Other names: c.682G>T, p.Ala228Ser (NM_001025108.2); c.607G>T, p.Ala203Ser (NM_002285.3); short protein forms A203S, A228S.
Identifiers: ClinVar variation 3353461 (VCV003353461.1).

ClinVar aggregate classification (germline): Uncertain significance (0 of 4 stars; one submission).

Conditions:
AFF3-related disorder. Also called: AFF3-related condition.

gnomAD v4.1: 5 of 1,614,172 alleles (0.00031%); highest among the groups gnomAD compares: Admixed American, 0.0017%; no homozygotes.

Submission:

PreventionGenetics, part of Exact Sciences
Classification: Uncertain significance for AFF3-related condition. Last evaluated: 2024-06-05. Review status: no assertion criteria provided. Collection method: clinical testing. Allele origin: germline.
Comment: The AFF3 c.607G>T variant is predicted to result in the amino acid substitution p.Ala203Ser. To our knowledge, this variant has not been reported in the literature or in a large population database, indicating this variant is rare. At this time, the clinical significance of this variant is uncertain due to the absence of conclusive functional and genetic evidence.